The following is an entry in ClinVar:

ClinVar aggregate classification (germline): Pathogenic (0 of 4 stars; one submission).

Conditions:
Renal coloboma syndrome (PAPRS). Also called: PAPILLORENAL SYNDROME; OPTIC COLOBOMA, VESICOURETERAL REFLUX, AND RENAL ANOMALIES; OPTIC NERVE COLOBOMA WITH RENAL DISEASE; RENAL-COLOBOMA SYNDROME WITH MACULAR ABNORMALITIES; COLOBOMA OF OPTIC NERVE WITH RENAL DISEASE; PAPILLORENAL SYNDROME WITH MILD OCULAR ABNORMALITIES. Identifiers: Orphanet 1475, MedGen C1852759, MONDO:0007352, OMIM 120330.
Focal segmental glomerulosclerosis 7 (FSGS7). Identifiers: Orphanet 656, MedGen C4014925, MONDO:0014451, OMIM 616002.

Submission:

Fulgent Genetics
Classification: Pathogenic for Renal coloboma syndrome; Focal segmental glomerulosclerosis 7. Review status: no assertion criteria provided. Collection method: clinical testing. Allele origin: unknown.
Comment: This variant has been detected in individual(s) who were sent for testing of Renasight - kidney gene panel.

GRCh37/hg19 10q24.31(chr10:102568846-102589718)

Gene: PAX2 (paired box 2; plus strand). Cytogenetic location: 10q24.31.
Variant type: copy number loss.
Identifiers: ClinVar variation 1179209 (VCV001179209.2).